The following is an entry in ClinVar:

NM_058216.3(RAD51C):c.288C>A (p.Thr96=)

Gene: RAD51C (RAD51 paralog C; plus strand). Cytogenetic location: 17q22.
Variant type: single nucleotide variant.
Coding change: c.288C>A on transcript NM_058216.3 (MANE Select); coding-DNA position 288, C replaced by A.
Protein change: p.Thr96=; no amino-acid change (threonine 96 retained).
Molecular consequence: synonymous variant. On other transcripts: non-coding transcript variant (2).
Genome position (GRCh38, 1-based): chr17:58,695,073, C>A. VCF-style: chr17-58695073-C-A. GRCh37 (hg19) VCF-style: chr17-56772434-C-A.
Other names: c.288C>A, p.Thr96= (NM_002876.4).
Identifiers: ClinVar variation 484732 (VCV000484732.17), dbSNP rs143180709, ClinGen allele CA501074653.
Genomic context (GRCh38, chr17:58,695,073, plus strand): 5'-TGGTACATCTGAGTCACACAAGAAGTGTACAGCACTGGAACTTCTTGAGCAGGAGCATAC[C>A]CAGGGCTTCATAATCACCTTCTGTTCAGCACTAGATGATATTCTTGGGGGTGGAGTGCCC-3'
Protein context (NP_478123.1, residues 86-106): TALELLEQEH[Thr96=]QGFIITFCSA

ClinVar aggregate classification (germline): Benign/Likely benign. Review status: criteria provided, multiple submitters, no conflicts (2 of 4 stars). 4 submissions from 4 submitters: Benign (1); Likely benign (3). Last evaluated 2025-02-14.

Conditions:
Hereditary cancer-predisposing syndrome. Also called: Hereditary neoplastic syndrome; Neoplastic Syndromes, Hereditary; Tumor predisposition; Hereditary Cancer Syndrome. Identifiers: Orphanet 140162, MedGen C0027672, MeSH D009386, MONDO:0015356.
Fanconi anemia complementation group O. Also called: RAD51C-Related Fanconi Anemia. Identifiers: Orphanet 84, MedGen C3150653, MONDO:0013248, OMIM 613390.
Breast-ovarian cancer, familial, susceptibility to, 3. Also called: RAD51C-Related Breast/Ovarian Cancer. Identifiers: Orphanet 145, MedGen C3150659, MONDO:0013253, OMIM 613399.

Submissions (4):

Myriad Genetics, Inc.
Classification: Benign for Breast-ovarian cancer, familial, susceptibility to, 3. Last evaluated: 2025-02-14. Review status: criteria provided, single submitter. Criteria: Myriad Autosomal Dominant, Autosomal Recessive and X-Linked Classification Criteria (2023). Collection method: clinical testing. Allele origin: unknown.
Comment: This variant is considered benign. This variant is a silent/synonymous amino acid change and it is not expected to impact splicing.

Labcorp Genetics (formerly Invitae), Labcorp
Classification: Likely benign for Fanconi anemia complementation group O. Last evaluated: 2023-07-16. Review status: criteria provided, single submitter. Criteria: Invitae Variant Classification Sherloc (09022015). Collection method: clinical testing. Allele origin: germline.

Color Diagnostics, LLC DBA Color Health
Classification: Likely benign for Hereditary cancer-predisposing syndrome. Last evaluated: 2019-09-09. Review status: criteria provided, single submitter. Criteria: ACMG Guidelines, 2015. Collection method: clinical testing. Allele origin: germline.

Ambry Genetics
Classification: Likely benign for Hereditary cancer-predisposing syndrome. Last evaluated: 2016-03-04. Review status: criteria provided, single submitter. Criteria: Ambry Variant Classification Scheme 2023. Collection method: clinical testing. Allele origin: germline.